The following is an entry in ClinVar:

NM_004415.4(DSP):c.267_273+266dup

Gene: DSP (desmoplakin; plus strand). Cytogenetic location: 6p24.3.
Variant type: Duplication.
Coding change: c.267_273+266dup on transcript NM_004415.4 (MANE Select); coding-DNA position 267 through 266 bases into the intron after coding-DNA position 273, 273 bases duplicated.
Molecular consequence: splice donor variant.
Genome position (GRCh38, 1-based): chr6:7,555,814-7,556,086, 273 bases duplicated. GRCh37 (hg19): chr6:7,556,047-7,556,319.
Other names: c.267_273+266dup (NM_001319034.2, NM_001008844.3, NM_001406591.1).
Identifiers: ClinVar variation 4786857 (VCV004786857.1).

ClinVar aggregate classification (germline): Uncertain significance (1 of 4 stars; one submission).

Conditions:
Arrhythmogenic cardiomyopathy with wooly hair and keratoderma. Also called: Carvajal syndrome; PALMOPLANTAR KERATODERMA WITH LEFT VENTRICULAR CARDIOMYOPATHY AND WOOLLY HAIR; Dilated cardiomyopathy with woolly hair and keratoderma; Arrhythmogenic cardiomyopathy with woolly hair and keratoderma. Identifiers: Orphanet 65282, MedGen C1854063, MONDO:0011581, OMIM 605676.
Arrhythmogenic right ventricular dysplasia 8 (ARVD8). Also called: Arrhythmogenic Right Ventricular Dysplasia/Cardiomyopathy 8; ARRHYTHMOGENIC RIGHT VENTRICULAR DYSPLASIA, FAMILIAL, 8; ARRHYTHMOGENIC RIGHT VENTRICULAR CARDIOMYOPATHY 8. Identifiers: MedGen C1843896, MONDO:0011831, OMIM 607450.

Submission:

Labcorp Genetics (formerly Invitae), Labcorp
Classification: Uncertain significance for Arrhythmogenic cardiomyopathy with wooly hair and keratoderma; Arrhythmogenic right ventricular dysplasia 8. Last evaluated: 2025-11-28. Review status: criteria provided, single submitter. Criteria: Invitae Variant Classification Sherloc (09022015). Collection method: clinical testing. Allele origin: germline.
Comment: This sequence change falls in intron 2 of the DSP gene. It does not directly change the encoded amino acid sequence of the DSP protein. This variant is not present in population databases (gnomAD no frequency). This variant has not been reported in the literature in individuals affected with DSP-related conditions. In summary, the available evidence is currently insufficient to determine the role of this variant in disease. Therefore, it has been classified as a Variant of Uncertain Significance.